The following is an entry in ClinVar:

ClinVar aggregate classification (germline): Pathogenic. Review status: criteria provided, multiple submitters, no conflicts (2 of 4 stars). 4 submissions from 4 submitters: Pathogenic (4). Last evaluated 2023-07-11.

Conditions:
BCOR-related disorder. Also called: BCOR-related condition; BCOR-related disorders.
Oculofaciocardiodental syndrome (MCOPS2). Identifiers: Orphanet 2712, MedGen C1846265, MONDO:0010261, OMIM 300166.

Submissions (4):

GeneDx
Classification: Pathogenic. Last evaluated: 2023-07-11. Review status: criteria provided, single submitter. Criteria: GeneDx Variant Classification Process June 2021. Collection method: clinical testing. Allele origin: germline. Affected: yes.
Comment: Nonsense variant predicted to result in protein truncation or nonsense mediated decay in a gene for which loss-of-function is a known mechanism of disease; Not observed in large population cohorts (gnomAD); This variant is associated with the following publications: (PMID: 23557072)

Labcorp Genetics (formerly Invitae), Labcorp
Classification: Pathogenic for Oculofaciocardiodental syndrome. Last evaluated: 2022-12-20. Review status: criteria provided, single submitter. Criteria: Invitae Variant Classification Sherloc (09022015). Collection method: clinical testing. Allele origin: germline.
Comment: ClinVar contains an entry for this variant (Variation ID: 989349). This premature translational stop signal has been observed in individual(s) with oculofaciocardiodental syndrome (PMID: 23557072). In at least one individual the variant was observed to be de novo. This variant is not present in population databases (gnomAD no frequency). This sequence change creates a premature translational stop signal (p.Arg1183*) in the BCOR gene. It is expected to result in an absent or disrupted protein product. Loss-of-function variants in BCOR are known to be pathogenic (PMID: 15004558, 19367324). For these reasons, this variant has been classified as Pathogenic.

Revvity Omics, Revvity
Classification: Pathogenic for Oculofaciocardiodental syndrome. Last evaluated: 2019-07-23. Review status: criteria provided, single submitter. Criteria: ACMG Guidelines, 2015. Collection method: clinical testing. Allele origin: germline.

Illumina Laboratory Services, Illumina
Classification: Pathogenic for BCOR-related disorders. Last evaluated: 2019-06-25. Review status: criteria provided, single submitter. Criteria: ICSLVariantClassificationCriteria RUGD 01 April 2020. Collection method: clinical testing. Allele origin: unknown.
Comment: The BCOR c.3649C>T (p.Arg1217Ter) variant is a stop-gained variant that is predicted to result in a premature termination of the protein. A literature search was performed for the gene, cDNA change and amino acid change. No publications were found based on this search. This variant is not found in the Genome Aggregation Database. Based on the potential impact of stop-gained variants, the absence of the variant from frequency databases, and application of the ACMG criteria, the p.Arg1217Ter variant is classified as pathogenic for BCOR-related disorders.

Literature cited by the submitters: PubMed 23557072 (cited by Labcorp Genetics (formerly Invitae), Labcorp); PubMed 15004558 (cited by Labcorp Genetics (formerly Invitae), Labcorp); PubMed 19367324 (cited by Labcorp Genetics (formerly Invitae), Labcorp).

NM_001123385.2(BCOR):c.3649C>T (p.Arg1217Ter)

Gene: BCOR (BCL6 corepressor; minus strand). Cytogenetic location: Xp11.4.
Variant type: single nucleotide variant.
Coding change: c.3649C>T on transcript NM_001123385.2 (MANE Select); coding-DNA position 3649, C replaced by T.
Protein change: p.Arg1217Ter; replaces arginine 1217 with a stop codon.
Molecular consequence: nonsense.
Genome position (GRCh38, 1-based): chrX:40,063,806, G>A on the plus strand (C>T on the coding strand, the complement: BCOR is on the minus strand). VCF-style: chrX-40063806-G-A. GRCh37 (hg19) VCF-style: chrX-39923059-G-A.
Other names: c.3547C>T, p.Arg1183Ter (NM_001123383.2, NM_017745.6); c.3493C>T, p.Arg1165Ter (NM_001123384.2); short protein forms R1165*, R1183*, R1217*.
Identifiers: ClinVar variation 989349 (VCV000989349.15), dbSNP rs1935034055, ClinGen allele CA412738390.
Genomic context (GRCh38, chrX:40,063,806, plus strand): 5'-CTTCCTTCCTGCTTTGCCGGCCAGGTTTGCCATCTGCTGCCGACACCTGCTGCTCCCATC[G>A]TTCTCTAAGGTGCAGCAAGTGGCGTTGTTTTTTAGGATGGAGCCCTGTTAATTCAATGCA-3'